The following is an entry in ClinVar:

NM_001943.5(DSG2):c.1017A>G (p.Glu339=)

Gene: DSG2 (desmoglein 2; plus strand). Cytogenetic location: 18q12.1.
Variant type: single nucleotide variant.
Coding change: c.1017A>G on transcript NM_001943.5 (MANE Select); coding-DNA position 1017, A replaced by G.
Protein change: p.Glu339=; no amino-acid change (glutamic acid 339 retained).
Molecular consequence: synonymous variant.
Genome position (GRCh38, 1-based): chr18:31,530,989, A>G. VCF-style: chr18-31530989-A-G. GRCh37 (hg19) VCF-style: chr18-29110952-A-G.
Identifiers: ClinVar variation 757057 (VCV000757057.14), dbSNP rs1325947416, ClinGen allele CA503765706.
Genomic context (GRCh38, chr18:31,530,989, plus strand): 5'-TGTATACATGTCTTCTGTTTTCTCTTTGAAAAGAATTCCCTTTGGTTTTCCCTTTCAGGA[A>G]GTAGATTATGAAGAAATGAAGAATCTTGACTTCAGTGTTATTGTCGCTAATAAAGCAGCT-3'
Protein context (NP_001934.2, residues 329-349): TNEGIVTLIK[Glu339=]VDYEEMKNLD

ClinVar aggregate classification (germline): Likely benign. Review status: criteria provided, multiple submitters, no conflicts (2 of 4 stars). 4 submissions from 4 submitters: Likely benign (4). Last evaluated 2025-12-17.

Conditions:
Cardiovascular phenotype. Identifiers: MedGen CN230736.
Arrhythmogenic right ventricular dysplasia 10. Also called: Arrhythmogenic Right Ventricular Dysplasia/Cardiomyopathy10; ARRHYTHMOGENIC RIGHT VENTRICULAR DYSPLASIA, FAMILIAL, 10; Arrhythmogenic right ventricular dysplasia/cardiomyopathy, type 10. Identifiers: MedGen C1857777, MONDO:0012434, OMIM 610193.
Arrhythmogenic right ventricular cardiomyopathy (ARVD). Also called: Arrhythmogenic cardiomyopathy; Cardiomyopathy, ARVC; Arrhythmogenic right ventricular dysplasia; Arrhythmogenic Right Ventricular Cardiomyopathy (ARVC). Identifiers: Orphanet 247, MedGen C0349788, MeSH D019571, MONDO:0016587. Disease mechanism: loss of function. Inheritance: Various modes of inheritance.
Cardiomyopathy (CMYO). Also called: Cardiomyopathies. Identifiers: Orphanet 167848, MedGen C0878544, MONDO:0004994, HP:0001638. Inheritance: Various modes of inheritance.

Allele frequency attached by ClinVar (database versions not stated): gnomAD 0.00001; TOPMed 0.00001; gnomAD exomes 0.00003.
gnomAD v4.1: 41 of 1,613,790 alleles (0.0025%); highest among the groups gnomAD compares: Non-Finnish European, 0.0033%; no homozygotes.

Submissions (4):

Labcorp Genetics (formerly Invitae), Labcorp
Classification: Likely benign for Arrhythmogenic right ventricular dysplasia 10. Last evaluated: 2025-12-17. Review status: criteria provided, single submitter. Criteria: Invitae Variant Classification Sherloc (09022015). Collection method: clinical testing. Allele origin: germline.

All of Us Research Program, National Institutes of Health
Classification: Likely benign for Arrhythmogenic right ventricular cardiomyopathy. Last evaluated: 2023-11-02. Review status: criteria provided, single submitter. Criteria: ACMG Guidelines, 2015. Collection method: clinical testing. Allele origin: germline. Inheritance: Autosomal dominant inheritance. Observed: 3 variant alleles, 3 heterozygotes.
Comment: This study involves interpretation of variants in research participants for the purpose of population health screening. Participant phenotype was not available at the time of variant classification. Additional details can be found in publication PMID: 35346344, PMCID: PMC8962531

Color Diagnostics, LLC DBA Color Health
Classification: Likely benign for Cardiomyopathy. Last evaluated: 2019-02-21. Review status: criteria provided, single submitter. Criteria: ACMG Guidelines, 2015. Collection method: clinical testing. Allele origin: germline.

Ambry Genetics
Classification: Likely benign for Cardiovascular phenotype. Last evaluated: 2018-07-04. Review status: criteria provided, single submitter. Criteria: Ambry Variant Classification Scheme 2023. Collection method: clinical testing. Allele origin: germline.